The following is an entry in ClinVar:

NM_012398.3(PIP5K1C):c.29_43del (p.Glu10_Ala14del)

Gene: PIP5K1C (phosphatidylinositol-4-phosphate 5-kinase type 1 gamma; minus strand). Cytogenetic location: 19p13.3.
Variant type: Deletion.
Coding change: c.29_43del on transcript NM_012398.3 (MANE Select); coding-DNA positions 29 to 43, 15 bases deleted (AGAGCGCTGAGGCGG).
Protein change: p.Glu10_Ala14del.
Genome position (GRCh38, 1-based): chr19:3,700,348-3,700,362, CCGCCTCAGCGCTCT deleted on the plus strand (AGAGCGCTGAGGCGG on the coding strand, the reverse complement: PIP5K1C is on the minus strand); deleting any 15 consecutive bases within chr19:3,700,348-3,700,369 gives the same sequence; the c. name uses the placement nearest the transcript's 3' end. VCF-style (leftmost placement, unchanged base first): chr19-3700347-CCCGCCTCAGCGCTCT-C. GRCh37 (hg19) VCF-style: chr19-3700345-CCCGCCTCAGCGCTCT-C.
Other names: c.29_43del, p.Glu10_Ala14del (NM_001195733.2, NM_001300849.2).
Identifiers: ClinVar variation 3365834 (VCV003365834.1).

ClinVar aggregate classification (germline): Uncertain significance (1 of 4 stars; one submission).

Submission:

GeneDx
Classification: Uncertain significance. Last evaluated: 2023-12-17. Review status: criteria provided, single submitter. Criteria: GeneDx Variant Classification Process June 2021. Collection method: clinical testing. Allele origin: germline. Affected: yes.
Comment: Not observed at significant frequency in large population cohorts (gnomAD); In-frame deletion of 5 amino acids in a non-repeat region; In silico analysis supports that this variant does not alter protein structure/function; Has not been previously published as pathogenic or benign to our knowledge